The following is an entry in ClinVar:

NM_002439.5(MSH3):c.2787T>G (p.Ile929Met)

Gene: MSH3 (mutS homolog 3; plus strand). Cytogenetic location: 5q14.1.
Variant type: single nucleotide variant.
Coding change: c.2787T>G on transcript NM_002439.5 (MANE Select); coding-DNA position 2787, T replaced by G.
Protein change: p.Ile929Met; replaces isoleucine 929 with methionine.
Molecular consequence: missense variant.
Genome position (GRCh38, 1-based): chr5:80,813,715, T>G. VCF-style: chr5-80813715-T-G. GRCh37 (hg19) VCF-style: chr5-80109534-T-G.
Other names: short protein forms I929M.
Identifiers: ClinVar variation 1795998 (VCV001795998.2), dbSNP rs2546797437, ClinGen allele CA360274072.

ClinVar aggregate classification (germline): Uncertain significance (1 of 4 stars; one submission).

Conditions:
Hereditary cancer-predisposing syndrome. Also called: Tumor predisposition; Hereditary Cancer Syndrome; Neoplastic Syndromes, Hereditary; Hereditary neoplastic syndrome. Identifiers: Orphanet 140162, MedGen C0027672, MeSH D009386, MONDO:0015356.

Submission:

Ambry Genetics
Classification: Uncertain significance for Hereditary cancer-predisposing syndrome. Last evaluated: 2020-01-21. Review status: criteria provided, single submitter. Criteria: Ambry Variant Classification Scheme 2023. Collection method: clinical testing. Allele origin: germline.
Comment: The p.I929M variant (also known as c.2787T>G), located in coding exon 20 of the MSH3 gene, results from a T to G substitution at nucleotide position 2787. The isoleucine at codon 929 is replaced by methionine, an amino acid with highly similar properties. This amino acid position is not well conserved in available vertebrate species. In addition, the in silico prediction for this alteration is inconclusive. Since supporting evidence is limited at this time, the clinical significance of this alteration remains unclear.